The following is an entry in ClinVar:

NM_000545.8(HNF1A):c.862G>T (p.Gly288Trp)

Gene: HNF1A (HNF1 homeobox A; plus strand). Cytogenetic location: 12q24.31.
Variant type: single nucleotide variant.
Coding change: c.862G>T on transcript NM_000545.8 (MANE Select); coding-DNA position 862, G replaced by T.
Protein change: p.Gly288Trp; replaces glycine 288 with tryptophan.
Molecular consequence: missense variant.
Genome position (GRCh38, 1-based): chr12:120,994,312, G>T. VCF-style: chr12-120994312-G-T. GRCh37 (hg19) VCF-style: chr12-121432115-G-T.
Other names: c.862G>T, p.Gly288Trp (NM_001306179.2); short protein forms G288W.
Identifiers: ClinVar variation 972752 (VCV000972752.10), dbSNP rs539507291, ClinGen allele CA6831844.

ClinVar aggregate classification (germline): Conflicting classifications of pathogenicity. Review status: criteria provided, conflicting classifications (1 of 4 stars). 4 submissions from 4 submitters: Uncertain significance (2); Likely benign (2). Last evaluated 2025-12-22.

Conditions:
Maturity-onset diabetes of the young type 3. Also called: MODY type 3; MODY, type III. Identifiers: Orphanet 552, MedGen C1838100, MeSH C563933, MONDO:0010894, OMIM 600496. Disease mechanism: loss of function.
Maturity-onset diabetes of the young (MODY). Also called: Maturity onset diabetes mellitus in young. Identifiers: Orphanet 552, MedGen C0342276, MONDO:0018911, HP:0004904.

Allele frequency attached by ClinVar (database versions not stated): TOPMed 0.00006.
gnomAD v4.1: 105 of 1,406,032 alleles (0.0075%); highest among the groups gnomAD compares: Non-Finnish European, 0.0084%; no homozygotes.

Submissions (4):

Labcorp Genetics (formerly Invitae), Labcorp
Classification: Likely benign. Last evaluated: 2025-12-22. Review status: criteria provided, single submitter. Criteria: Invitae Variant Classification Sherloc (09022015). Collection method: clinical testing. Allele origin: germline.

Blueprint Genetics
Classification: Uncertain significance. Last evaluated: 2024-11-25. Review status: criteria provided, single submitter. Criteria: ACMG Guidelines, 2015. Collection method: clinical testing. Allele origin: germline.

Ambry Genetics
Classification: Likely benign for Maturity-onset diabetes of the young. Last evaluated: 2021-09-03. Review status: criteria provided, single submitter. Criteria: Ambry Variant Classification Scheme 2023. Collection method: clinical testing. Allele origin: germline.

Broad Center for Mendelian Genomics, Broad Institute of MIT and Harvard
Classification: Uncertain significance for Maturity-onset diabetes of the young type 3. Last evaluated: 2020-01-22. Review status: criteria provided, single submitter. Criteria: ACMG Guidelines, 2015. Collection method: curation. Allele origin: germline. Inheritance: Autosomal dominant inheritance.
Comment: The p.Gly288Trp variant in HNF1A has been reported in at least 1 individual with maturity-onset diabetes of the young (PMID: 25306193), and has been identified in 0.030% (3/9944) of Ashkenazi Jewish chromosomes and 0.011% (13/122942) of European (non-Finnish) chromosomes by the Genome Aggregation Database (gnomAD; dbSNP rs539507291). Computational prediction tools and conservation analyses suggest that this variant may impact the protein, though this information is not predictive enough to determine pathogenicity. In summary, while the clinical significance of the p.Gly288Trp variant is uncertain, these data suggest that it is more likely to be benign. ACMG/AMP Criteria applied: BA1, PP3 (Richards 2015).

Literature cited by the submitters: PubMed 25306193 (cited by Ambry Genetics); PubMed 29666556 (cited by Ambry Genetics); PubMed 30455330 (cited by Ambry Genetics); PubMed 32017842 (cited by Ambry Genetics).